The following is an entry in ClinVar:

ClinVar aggregate classification (germline): Conflicting classifications of pathogenicity. Review status: criteria provided, conflicting classifications (1 of 4 stars). 3 submissions from 3 submitters: Uncertain significance (1); Likely benign (1). 1 of the submissions does not count toward it. Last evaluated 2025-08-10.

Conditions:
DCTN1-related disorder. Also called: DCTN1-related condition.
Inborn genetic diseases. Identifiers: MedGen C0950123, MeSH D030342.
Amyotrophic lateral sclerosis type 1 (ALS1). Also called: AMYOTROPHIC LATERAL SCLEROSIS 1, FAMILIAL. Identifiers: Orphanet 803, MedGen C1862939, MONDO:0007103, OMIM 105400.
Perry syndrome. Also called: PARKINSONISM WITH ALVEOLAR HYPOVENTILATION AND MENTAL DEPRESSION. Identifiers: Orphanet 178509, MedGen C1868594, MONDO:0008201, OMIM 168605.
Neuronopathy, distal hereditary motor, type 7B. Also called: Distal Hereditary Motor Neuronopathy Type 7B (dHMN7B); HMN VIIB; LOWER MOTOR NEURON DISEASE, DYNACTIN TYPE; NEURONOPATHY, DISTAL HEREDITARY MOTOR, AUTOSOMAL DOMINANT 14; NEURONOPATHY, DISTAL HEREDITARY MOTOR, HARDING TYPE VIIB; NEUROPATHY, DISTAL HEREDITARY MOTOR, HARDING TYPE VIIB. Identifiers: Orphanet 139589, MedGen C1843315, MONDO:0011879, OMIM 607641.

Allele frequency attached by ClinVar (database versions not stated): gnomAD 0.00003; TOPMed 0.00006.

Submissions (3):

Labcorp Genetics (formerly Invitae), Labcorp
Classification: Uncertain significance for Amyotrophic lateral sclerosis type 1; Neuronopathy, distal hereditary motor, type 7B; Perry syndrome. Last evaluated: 2025-08-10. Review status: criteria provided, single submitter. Criteria: Invitae Variant Classification Sherloc (09022015). Collection method: clinical testing. Allele origin: germline.
Comment: This sequence change replaces methionine, which is neutral and non-polar, with valine, which is neutral and non-polar, at codon 1245 of the DCTN1 protein (p.Met1245Val). This variant is present in population databases (no rsID available, gnomAD 0.006%). This variant has not been reported in the literature in individuals affected with DCTN1-related conditions. ClinVar contains an entry for this variant (Variation ID: 965216). Invitae Evidence Modeling of protein sequence and biophysical properties (such as structural, functional, and spatial information, amino acid conservation, physicochemical variation, residue mobility, and thermodynamic stability) indicates that this missense variant is not expected to disrupt DCTN1 protein function with a negative predictive value of 95%. In summary, the available evidence is currently insufficient to determine the role of this variant in disease. Therefore, it has been classified as a Variant of Uncertain Significance.

Ambry Genetics
Classification: Likely benign for Inborn genetic diseases. Last evaluated: 2024-02-26. Review status: criteria provided, single submitter. Criteria: Ambry Variant Classification Scheme 2023. Collection method: clinical testing. Allele origin: germline.

PreventionGenetics, part of Exact Sciences
Classification: Uncertain significance for DCTN1-related condition. Last evaluated: 2024-08-05. Review status: no assertion criteria provided. Collection method: clinical testing. Allele origin: germline. Not counted in ClinVar's aggregate classification.
Comment: The DCTN1 c.3733A>G variant is predicted to result in the amino acid substitution p.Met1245Val. To our knowledge, this variant has not been reported in the literature. This variant is reported in 0.0058% of alleles in individuals of Latino descent in gnomAD. At this time, the clinical significance of this variant is uncertain due to the absence of conclusive functional and genetic evidence.

NM_004082.5(DCTN1):c.3733A>G (p.Met1245Val)

Gene: DCTN1 (dynactin subunit 1; minus strand). Cytogenetic location: 2p13.1.
Variant type: single nucleotide variant.
Coding change: c.3733A>G on transcript NM_004082.5 (MANE Select); coding-DNA position 3733, A replaced by G.
Protein change: p.Met1245Val; replaces methionine 1245 with valine.
Molecular consequence: missense variant. On other transcripts: non-coding transcript variant (1).
Genome position (GRCh38, 1-based): chr2:74,361,603, T>C on the plus strand (A>G on the coding strand, the complement: DCTN1 is on the minus strand). VCF-style: chr2-74361603-T-C. GRCh37 (hg19) VCF-style: chr2-74588730-T-C.
Other names: c.3658A>G, p.Met1220Val (NM_001135040.3); c.3316A>G, p.Met1106Val (NM_001135041.3); c.3607A>G, p.Met1203Val (NM_001190836.2); c.3712A>G, p.Met1238Val (NM_001190837.2); c.3682A>G, p.Met1228Val (NM_001378991.1); c.3664A>G, p.Met1222Val (NM_001378992.1); c.3331A>G, p.Met1111Val (NM_023019.4); short protein forms M1203V, M1220V, M1106V, M1111V, M1222V, M1228V, M1238V, M1245V.
Identifiers: ClinVar variation 965216 (VCV000965216.13), dbSNP rs969899022, ClinGen allele CA50473946.